The following is an entry in ClinVar:

NM_000742.4(CHRNA2):c.874G>A (p.Asp292Asn)

Gene: CHRNA2 (cholinergic receptor nicotinic alpha 2 subunit; minus strand). Cytogenetic location: 8p21.2.
Variant type: single nucleotide variant.
Coding change: c.874G>A on transcript NM_000742.4 (MANE Select); coding-DNA position 874, G replaced by A.
Protein change: p.Asp292Asn; replaces aspartic acid 292 with asparagine.
Molecular consequence: missense variant.
Genome position (GRCh38, 1-based): chr8:27,463,569, C>T on the plus strand (G>A on the coding strand, the complement: CHRNA2 is on the minus strand). VCF-style: chr8-27463569-C-T. GRCh37 (hg19) VCF-style: chr8-27321086-C-T.
Other names: c.829G>A, p.Asp277Asn (NM_001282455.2); c.397G>A, p.Asp133Asn (NM_001347705.2, NM_001347706.2); c.280G>A, p.Asp94Asn (NM_001347707.2, NM_001347708.2); c.874G>A (NM_000742.3); short protein forms D133N, D277N, D292N, D94N.
Identifiers: ClinVar variation 1026735 (VCV001026735.6), dbSNP rs774054592, ClinGen allele CA4689585.

ClinVar aggregate classification (germline): Conflicting classifications of pathogenicity. Review status: criteria provided, conflicting classifications (1 of 4 stars). 2 submissions from 2 submitters: Uncertain significance (1); Likely benign (1). Last evaluated 2025-06-15.

Conditions:
Familial sleep-related hypermotor epilepsy. Also called: Autosomal Dominant Sleep-Related Hypermotor (Hyperkinetic) Epilepsy. Identifiers: Orphanet 98784, MedGen C3696898, MONDO:0000030.

Allele frequency attached by ClinVar (database versions not stated): gnomAD exomes below 0.00001 and 0.00002; TOPMed below 0.00001; ExAC 0.00001.
gnomAD v4.1: 7 of 1,614,162 alleles (0.00043%); highest among the groups gnomAD compares: South Asian, 0.0011%; no homozygotes.

Submissions (2):

Labcorp Genetics (formerly Invitae), Labcorp
Classification: Likely benign. Last evaluated: 2025-06-15. Review status: criteria provided, single submitter. Criteria: Invitae Variant Classification Sherloc (09022015). Collection method: clinical testing. Allele origin: germline.

GeneDx
Classification: Uncertain significance. Last evaluated: 2023-10-23. Review status: criteria provided, single submitter. Criteria: GeneDx Variant Classification Process June 2021. Collection method: clinical testing. Allele origin: germline. Affected: yes.
Comment: In silico analysis supports that this missense variant has a deleterious effect on protein structure/function; Has not been previously published as pathogenic or benign to our knowledge